The following is an entry in ClinVar:

NM_001182.5(ALDH7A1):c.773+5G>A

Gene: ALDH7A1 (aldehyde dehydrogenase 7 family member A1; minus strand). Cytogenetic location: 5q23.2.
Variant type: single nucleotide variant.
Coding change: c.773+5G>A on transcript NM_001182.5 (MANE Select); 5 bases into the intron after coding-DNA position 773, G replaced by A.
Molecular consequence: intron variant.
Genome position (GRCh38, 1-based): chr5:126,570,777, C>T on the plus strand (G>A on the coding strand, the complement: ALDH7A1 is on the minus strand). VCF-style: chr5-126570777-C-T. GRCh37 (hg19) VCF-style: chr5-125906469-C-T.
Other names: c.773+5G>A (NM_001202404.2); c.689+5G>A (NM_001201377.2).
Identifiers: ClinVar variation 429765 (VCV000429765.2), dbSNP rs1131691580, ClinGen allele CA645369322.

ClinVar aggregate classification (germline): Likely pathogenic (1 of 4 stars; one submission).

gnomAD v4.1: 1 of 1,613,900 alleles (0.000062%); highest among the groups gnomAD compares: Non-Finnish European, 0.000085%; no homozygotes.

Submission:

GeneDx
Classification: Likely pathogenic. Last evaluated: 2015-09-22. Review status: criteria provided, single submitter. Criteria: GeneDx Variant Classification (06012015). Collection method: clinical testing. Allele origin: germline. Affected: yes.
Comment: The c.773+5 G>A variant has not been published as a pathogenic variant, nor has it been reported as a benign polymorphism to our knowledge. It was not observed in approximately 6,500 individuals of European and African American ancestry in the NHLBI Exome Sequencing Project, indicating it is not a common benign variant in these populations. Several in-silico splice prediction models predict that c.773+5 G>A may destroy the natural splice donor site in intron 8 and lead to abnormal gene splicing. However, in the absence of RNA/functional studies, the actual effect of this sequence change in this individual is unknown. Therefore, this variant is a strong candidate for a pathogenic variant, however the possibility that it is a benign variant cannot be excluded.